The following is an entry in ClinVar:

ClinVar aggregate classification (germline): Pathogenic/Likely pathogenic. Review status: criteria provided, multiple submitters, no conflicts (2 of 4 stars). 3 submissions from 3 submitters: Pathogenic (1); Likely pathogenic (2). Last evaluated 2026-01-05.

Conditions:
X-linked Alport syndrome (ATS1). Also called: COL4A5-Related Nephropathy; NEPHROPATHY AND DEAFNESS, X-LINKED. Identifiers: Orphanet 63, Orphanet 88917, MedGen C4746986, MONDO:0010520, OMIM 301050.
COL4A5-related disorders.

Submissions (3):

Labcorp Genetics (formerly Invitae), Labcorp
Classification: Likely pathogenic. Last evaluated: 2026-01-05. Review status: criteria provided, single submitter. Criteria: Invitae Variant Classification Sherloc (09022015). Collection method: clinical testing. Allele origin: germline.
Comment: This sequence change replaces glycine, which is neutral and non-polar, with arginine, which is basic and polar, at codon 54 of the COL4A5 protein (p.Gly54Arg). This variant is not present in population databases (gnomAD no frequency). This variant has not been reported in the literature in individuals affected with COL4A5-related conditions. ClinVar contains an entry for this variant (Variation ID: 2122283). Invitae Evidence Modeling of protein sequence and biophysical properties (such as structural, functional, and spatial information, amino acid conservation, physicochemical variation, residue mobility, and thermodynamic stability) indicates that this missense variant is expected to disrupt COL4A5 protein function with a positive predictive value of 95%. This variant disrupts the triple helix domain of COL4A5. Glycine residues within the Gly-Xaa-Yaa repeats of the triple helix domain are required for the structure and stability of fibrillar collagens (PMID: 7695699, 8218237, 19344236). In COL4A5, missense variants at these glycine residues are significantly enriched in individuals with disease (PMID: 23720012, 27627812) compared to the general population (ExAC). This variant disrupts the p.Gly54 amino acid residue in COL4A5. Other variant(s) that disrupt this residue have been observed in individuals with COL4A5-related conditions (PMID: 8825605; internal data), which suggests that this may be a clinically significant amino acid residue. In summary, the currently available evidence indicates that the variant is pathogenic, but additional data are needed to prove that conclusively. Therefore, this variant has been classified as Likely Pathogenic.

Blueprint Genetics
Classification: Likely pathogenic for COL4A5-related disorders. Last evaluated: 2023-04-19. Review status: criteria provided, single submitter. Criteria: ACMG Guidelines, 2015. Collection method: clinical testing. Allele origin: germline. Affected: yes. Observed: 1 variant allele.

Eurofins-Biomnis
Classification: Pathogenic for X-linked Alport syndrome. Last evaluated: 2022-09-23. Review status: criteria provided, single submitter. Criteria: Accession Criteria ClinVar Biomnis. Collection method: clinical testing. Allele origin: germline. Affected: yes. Observed: 1 hemizygote.

Literature cited by the submitters: PubMed 7695699 (cited by Labcorp Genetics (formerly Invitae), Labcorp); PubMed 8218237 (cited by Labcorp Genetics (formerly Invitae), Labcorp); PubMed 19344236 (cited by Labcorp Genetics (formerly Invitae), Labcorp); PubMed 23720012 (cited by Labcorp Genetics (formerly Invitae), Labcorp); PubMed 27627812 (cited by Labcorp Genetics (formerly Invitae), Labcorp); PubMed 8825605 (cited by Labcorp Genetics (formerly Invitae), Labcorp).

NM_033380.3(COL4A5):c.160G>C (p.Gly54Arg)

Gene: COL4A5 (collagen type IV alpha 5 chain; plus strand). Cytogenetic location: Xq22.3.
Variant type: single nucleotide variant.
Coding change: c.160G>C on transcript NM_033380.3 (MANE Select); coding-DNA position 160, G replaced by C.
Protein change: p.Gly54Arg; replaces glycine 54 with arginine.
Molecular consequence: missense variant.
Genome position (GRCh38, 1-based): chrX:108,559,082, G>C. VCF-style: chrX-108559082-G-C. GRCh37 (hg19) VCF-style: chrX-107802312-G-C.
Other names: c.160G>C, p.Gly54Arg (NM_000495.5); short protein forms G54R.
Identifiers: ClinVar variation 2122283 (VCV002122283.6), dbSNP rs2524162428, ClinGen allele CA413914082.
Genomic context (GRCh38, chrX:108,559,082, plus strand): 5'-AATTCACAAATGACCTTACCTTTCATTCTCATTTAATTGCAGGGAGAGAGAGGGTTTCCA[G>C]GTTTGGAAGGACACCCAGGATTGCCTGGATTTCCAGGTCCAGAAGGGCCTCCGGGGCCTC-3'
Protein context (NP_203699.1, residues 44-64): KGEKGERGFP[Gly54Arg]LEGHPGLPGF